The following is an entry in ClinVar:

ClinVar aggregate classification (germline): Uncertain significance (1 of 4 stars; one submission).

Conditions:
Pulmonary fibrosis and/or bone marrow failure, Telomere-related, 3. Also called: PULMONARY FIBROSIS AND/OR BONE MARROW FAILURE SYNDROME, TELOMERE-RELATED, 3. Identifiers: Orphanet 2032, MedGen C4225346, MONDO:0014613, OMIM 616373.
Dyskeratosis congenita, autosomal recessive 5 (DKCB5). Identifiers: MedGen C3554656, MONDO:0014076, OMIM 615190.

Submission:

Labcorp Genetics (formerly Invitae), Labcorp
Classification: Uncertain significance for Dyskeratosis congenita, autosomal recessive 5; Pulmonary fibrosis and/or bone marrow failure, Telomere-related, 3. Last evaluated: 2025-08-25. Review status: criteria provided, single submitter. Criteria: Invitae Variant Classification Sherloc (09022015). Collection method: clinical testing. Allele origin: germline.
Comment: This sequence change replaces glutamic acid, which is acidic and polar, with glycine, which is neutral and non-polar, at codon 284 of the RTEL1 protein (p.Glu284Gly). This variant is present in population databases (no rsID available, gnomAD 0.0004%). This variant has not been reported in the literature in individuals affected with RTEL1-related conditions. An algorithm developed to predict the effect of missense changes on protein structure and function (PolyPhen-2) suggests that this variant is likely to be tolerated. In summary, the available evidence is currently insufficient to determine the role of this variant in disease. Therefore, it has been classified as a Variant of Uncertain Significance.

NM_001283009.2(RTEL1):c.851_852delinsGA (p.Glu284Gly)

Genes: RTEL1 (regulator of telomere elongation helicase 1; plus strand), RTEL1-TNFRSF6B (RTEL1-TNFRSF6B readthrough (NMD candidate); plus strand). Cytogenetic location: 20q13.33.
Variant type: Indel.
Coding change: c.851_852delinsGA on transcript NM_001283009.2 (MANE Select); coding-DNA positions 851 to 852, AG replaced by GA.
Protein change: p.Glu284Gly; replaces glutamic acid 284 with glycine.
Molecular consequence: missense variant. On other transcripts: non-coding transcript variant (1).
Genome position (GRCh38, 1-based): chr20:63,674,025-63,674,026, AG replaced by GA. VCF-style: chr20-63674025-AG-GA. GRCh37 (hg19) VCF-style: chr20-62305378-AG-GA.
Other names: c.182_183delinsGA, p.Glu61Gly (NM_001283010.1); c.851_852delinsGA, p.Glu284Gly (NM_016434.4); c.923_924delinsGA, p.Glu308Gly (NM_032957.5); short protein forms E284G, E308G, E61G.
Identifiers: ClinVar variation 4788130 (VCV004788130.1).